The following is an entry in ClinVar:

ClinVar aggregate classification (germline): Uncertain significance. Review status: criteria provided, multiple submitters, no conflicts (2 of 4 stars). 2 submissions from 2 submitters: Uncertain significance (2). Last evaluated 2025-05-26.

gnomAD v4.1: 15 of 1,614,000 alleles (0.00093%); highest among the groups gnomAD compares: African/African-American, 0.019%; no homozygotes.

Submissions (2):

Ambry Genetics
Classification: Uncertain significance. Last evaluated: 2025-05-26. Review status: criteria provided, single submitter. Criteria: Ambry Variant Classification Scheme 2023. Collection method: clinical testing. Allele origin: germline.

Labcorp Genetics (formerly Invitae), Labcorp
Classification: Uncertain significance. Last evaluated: 2024-02-25. Review status: criteria provided, single submitter. Criteria: Invitae Variant Classification Sherloc (09022015). Collection method: clinical testing. Allele origin: germline.
Comment: This sequence change replaces serine, which is neutral and polar, with arginine, which is basic and polar, at codon 18 of the UQCRQ protein (p.Ser18Arg). This variant is present in population databases (rs138646168, gnomAD 0.05%). This variant has not been reported in the literature in individuals affected with UQCRQ-related conditions. An algorithm developed to predict the effect of missense changes on protein structure and function (PolyPhen-2) suggests that this variant is likely to be disruptive. In summary, the available evidence is currently insufficient to determine the role of this variant in disease. Therefore, it has been classified as a Variant of Uncertain Significance.

NM_014402.5(UQCRQ):c.54C>G (p.Ser18Arg)

Genes: UQCRQ (ubiquinol-cytochrome c reductase complex III subunit VII; plus strand), LOC126807509 (BRD4-independent group 4 enhancer GRCh37_chr5:132201613-132202812; plus strand). Cytogenetic location: 5q31.1.
Variant type: single nucleotide variant.
Coding change: c.54C>G on transcript NM_014402.5 (MANE Select); coding-DNA position 54, C replaced by G.
Protein change: p.Ser18Arg; replaces serine 18 with arginine.
Molecular consequence: missense variant.
Genome position (GRCh38, 1-based): chr5:132,866,935, C>G. VCF-style: chr5-132866935-C-G. GRCh37 (hg19) VCF-style: chr5-132202627-C-G.
Other names: c.54C>G (NM_014402.4); short protein forms S18R.
Identifiers: ClinVar variation 3606513 (VCV003606513.3).